The following is an entry in ClinVar:

ClinVar aggregate classification (germline): Likely benign (1 of 4 stars; one submission).

Conditions:
LZTFL1-related disorder. Also called: LZTFL1-related condition.

gnomAD v4.1: 4 of 1,611,262 alleles (0.00025%); highest among the groups gnomAD compares: South Asian, 0.0022%; no homozygotes.

Submission:

PreventionGenetics, part of Exact Sciences
Classification: Likely benign for LZTFL1-related condition. Last evaluated: 2025-05-16. Review status: criteria provided, single submitter. Criteria: ACMG Guidelines, 2015. Collection method: clinical testing. Allele origin: germline.
Comment: This variant is classified as likely benign based on ACMG/AMP sequence variant interpretation guidelines (Richards et al. 2015 PMID: 25741868, with internal and published modifications).

NM_020347.4(LZTFL1):c.147C>T (p.Phe49=)

Gene: LZTFL1 (leucine zipper transcription factor like 1; minus strand). Cytogenetic location: 3p21.31.
Variant type: single nucleotide variant.
Coding change: c.147C>T on transcript NM_020347.4 (MANE Select); coding-DNA position 147, C replaced by T.
Protein change: p.Phe49=; no amino-acid change (phenylalanine 49 retained).
Molecular consequence: synonymous variant. On other transcripts: non-coding transcript variant (2).
Genome position (GRCh38, 1-based): chr3:45,835,766, G>A on the plus strand (C>T on the coding strand, the complement: LZTFL1 is on the minus strand). VCF-style: chr3-45835766-G-A. GRCh37 (hg19) VCF-style: chr3-45877258-G-A.
Other names: c.96C>T, p.Phe32= (NM_001276378.2, NM_001386451.1, NM_001405922.1 and 4 more transcripts); c.135C>T, p.Phe45= (NM_001276379.2, NM_001405921.1); c.147C>T, p.Phe49= (NM_001386452.1, NM_001405924.1); c.171C>T, p.Phe57= (NM_001405920.1, NM_001405925.1).
Identifiers: ClinVar variation 4997518 (VCV004997518.1).
Genomic context (GRCh38, chr3:45,835,766, plus strand): 5'-CACCTCACTATGAACCACAGCTTGTAATCCATTGAGGACTTCAGAGACTTCATCTATGGT[G>A]AAGGTGTCCTCCACCAGCCTGAAAAACAACCATGATCCAAAACTTATAGAAAAACAACAA-3'
Protein context (NP_065080.1, residues 39-59): LKESRLVEDT[Phe49=]TIDEVSEVLN